The following is an entry in ClinVar:

ClinVar aggregate classification (germline): Likely pathogenic (1 of 4 stars; one submission).

gnomAD v4.1: 1 of 1,613,108 alleles (0.000062%); highest among the groups gnomAD compares: Non-Finnish European, 0.000085%; no homozygotes.

Submission:

GeneDx
Classification: Likely pathogenic. Last evaluated: 2025-01-13. Review status: criteria provided, single submitter. Criteria: GeneDx Variant Classification Process June 2021. Collection method: clinical testing. Allele origin: germline. Affected: yes.
Comment: Not observed at significant frequency in large population cohorts (gnomAD); In silico analysis supports that this missense variant has a deleterious effect on protein structure/function; Has not been previously published as pathogenic or benign to our knowledge

NM_024678.6(NARS2):c.325G>C (p.Glu109Gln)

Gene: NARS2 (asparaginyl-tRNA synthetase 2, mitochondrial; minus strand). Cytogenetic location: 11q14.1.
Variant type: single nucleotide variant.
Coding change: c.325G>C on transcript NM_024678.6 (MANE Select); coding-DNA position 325, G replaced by C.
Protein change: p.Glu109Gln; replaces glutamic acid 109 with glutamine.
Molecular consequence: missense variant. On other transcripts: 5 prime UTR variant (6), non-coding transcript variant (4), intron variant (1).
Genome position (GRCh38, 1-based): chr11:78,568,679, C>G on the plus strand (G>C on the coding strand, the complement: NARS2 is on the minus strand). VCF-style: chr11-78568679-C-G. GRCh37 (hg19) VCF-style: chr11-78279725-C-G.
Other names: c.-357G>C (NM_001243251.2, NM_001425310.1, NM_001425313.1 and 1 more transcripts); c.325G>C, p.Glu109Gln (NM_001425299.1, NM_001425300.1, NM_001425301.1 and 7 more transcripts); c.-232G>C (NM_001425311.1); c.-429G>C (NM_001425312.1); c.142-2407G>C (NM_001425308.1); short protein forms E109Q.
Identifiers: ClinVar variation 4056828 (VCV004056828.1).